The following is an entry in ClinVar:

NM_001142966.3(GREB1L):c.1698T>G (p.Asn566Lys)

Genes: GREB1L (GREB1 like retinoic acid receptor coactivator; plus strand), GREB1L-AS1 (GREB1L antisense RNA 1; minus strand). Cytogenetic location: 18q11.1.
Variant type: single nucleotide variant.
Coding change: c.1698T>G on transcript NM_001142966.3 (MANE Select); coding-DNA position 1698, T replaced by G.
Protein change: p.Asn566Lys; replaces asparagine 566 with lysine.
Molecular consequence: missense variant. On other transcripts: intron variant (1).
Genome position (GRCh38, 1-based): chr18:21,449,814, T>G. VCF-style: chr18-21449814-T-G. GRCh37 (hg19) VCF-style: chr18-19029775-T-G.
Other names: c.1827T>G, p.Asn609Lys (NM_001410867.1); c.1394-1209T>G (NM_001410868.1); short protein forms N566K, N609K.
Identifiers: ClinVar variation 3908045 (VCV003908045.1).

ClinVar aggregate classification (germline): Uncertain significance (1 of 4 stars; one submission).

Submission:

GeneDx
Classification: Uncertain significance. Last evaluated: 2024-12-27. Review status: criteria provided, single submitter. Criteria: GeneDx Variant Classification Process June 2021. Collection method: clinical testing. Allele origin: germline. Affected: yes.
Comment: Not observed at significant frequency in large population cohorts (gnomAD); In silico analysis indicates that this missense variant does not alter protein structure/function; Has not been previously published as pathogenic or benign to our knowledge